The following is an entry in ClinVar:

ClinVar aggregate classification (germline): Uncertain significance. Review status: criteria provided, multiple submitters, no conflicts (2 of 4 stars). 2 submissions from 2 submitters: Uncertain significance (2). Last evaluated 2025-08-20.

Conditions:
Combined immunodeficiency due to LRBA deficiency. Also called: Common variable immunodeficiency 8, with autoimmunity. Identifiers: Orphanet 445018, MedGen C3553512, MONDO:0013863, OMIM 614700.
Inborn genetic diseases. Identifiers: MedGen C0950123, MeSH D030342.

Allele frequency attached by ClinVar (database versions not stated): TOPMed below 0.00001; gnomAD exomes 0.00001.
gnomAD v4.1: 17 of 1,614,176 alleles (0.0011%); highest among the groups gnomAD compares: Non-Finnish European, 0.0014%; no homozygotes.

Submissions (2):

Ambry Genetics
Classification: Uncertain significance for Inborn genetic diseases. Last evaluated: 2025-08-20. Review status: criteria provided, single submitter. Criteria: Ambry Variant Classification Scheme 2023. Collection method: clinical testing. Allele origin: germline.

Labcorp Genetics (formerly Invitae), Labcorp
Classification: Uncertain significance for Combined immunodeficiency due to LRBA deficiency. Last evaluated: 2022-02-20. Review status: criteria provided, single submitter. Criteria: Invitae Variant Classification Sherloc (09022015). Collection method: clinical testing. Allele origin: germline.
Comment: This sequence change replaces leucine, which is neutral and non-polar, with arginine, which is basic and polar, at codon 1705 of the LRBA protein (p.Leu1705Arg). This variant is not present in population databases (gnomAD no frequency). This variant has not been reported in the literature in individuals affected with LRBA-related conditions. ClinVar contains an entry for this variant (Variation ID: 839323). Algorithms developed to predict the effect of missense changes on protein structure and function are either unavailable or do not agree on the potential impact of this missense change (SIFT: "Tolerated"; PolyPhen-2: "Possibly Damaging"; Align-GVGD: "Class C0"). In summary, the available evidence is currently insufficient to determine the role of this variant in disease. Therefore, it has been classified as a Variant of Uncertain Significance.

NM_001364905.1(LRBA):c.5114T>G (p.Leu1705Arg)

Gene: LRBA (LPS responsive beige-like anchor protein; minus strand). Cytogenetic location: 4q31.3.
Variant type: single nucleotide variant.
Coding change: c.5114T>G on transcript NM_001364905.1 (MANE Select); coding-DNA position 5114, T replaced by G.
Protein change: p.Leu1705Arg; replaces leucine 1705 with arginine.
Molecular consequence: missense variant.
Genome position (GRCh38, 1-based): chr4:150,828,237, A>C on the plus strand (T>G on the coding strand, the complement: LRBA is on the minus strand). VCF-style: chr4-150828237-A-C. GRCh37 (hg19) VCF-style: chr4-151749389-A-C.
Other names: c.5114T>G, p.Leu1705Arg (NM_001199282.3, NM_001367550.1, NM_006726.5); short protein forms L1705R.
Identifiers: ClinVar variation 839323 (VCV000839323.9), dbSNP rs920037636, ClinGen allele CA107799310.
Genomic context (GRCh38, chr4:150,828,237, plus strand): 5'-TACCTGTCAAAAGATCTGAACTGCACGGGTTGTTCCACAGATAGATCACCAAGGGCTCCA[A>C]GGCAGGCTGGTGGCAGAAGGGCAGGATCCACTGTGACTCCATCTGCTGGTATGTTAACCA-3'
Protein context (NP_001351834.1, residues 1695-1715): VDPALLPPAC[Leu1705Arg]GALGDLSVEQ